The following is an entry in ClinVar:

NM_007375.4(TARDBP):c.675A>G (p.Pro225=)

Gene: TARDBP (TAR DNA binding protein; plus strand). Cytogenetic location: 1p36.22.
Variant type: single nucleotide variant.
Coding change: c.675A>G on transcript NM_007375.4 (MANE Select); coding-DNA position 675, A replaced by G.
Protein change: p.Pro225=; no amino-acid change (proline 225 retained).
Molecular consequence: synonymous variant.
Genome position (GRCh38, 1-based): chr1:11,020,560, A>G. VCF-style: chr1-11020560-A-G. GRCh37 (hg19) VCF-style: chr1-11080617-A-G.
Other names: p.Pro225=.
Identifiers: ClinVar variation 291738 (VCV000291738.23), dbSNP rs61741294, ClinGen allele CA586413.

ClinVar aggregate classification (germline): Benign/Likely benign. Review status: criteria provided, multiple submitters, no conflicts (2 of 4 stars). 7 submissions from 7 submitters: Benign (4); Likely benign (3). Last evaluated 2026-01-27.

Conditions:
Amyotrophic lateral sclerosis type 10 (ALS10). Also called: AMYOTROPHIC LATERAL SCLEROSIS 10 WITHOUT FRONTOTEMPORAL DEMENTIA AND WITH TDP43 INCLUSIONS; AMYOTROPHIC LATERAL SCLEROSIS 10 WITH OR WITHOUT FRONTOTEMPORAL DEMENTIA AND WITH TDP43 INCLUSIONS; AMYOTROPHIC LATERAL SCLEROSIS 10 WITH OR WITHOUT FRONTOTEMPORAL DEMENTIA; TARDBP-Related Amyotrophic Lateral Sclerosis-Frontotemporal Dementia; Amyotrophic lateral sclerosis 10, with or without FTD. Identifiers: Orphanet 275872, Orphanet 803, MedGen C2677565, MONDO:0012790, OMIM 612069.
FRONTOTEMPORAL LOBAR DEGENERATION WITH TDP43 INCLUSIONS, TARDBP-RELATED. Also called: Frontotemporal lobar degeneration, TARDBP-related. Identifiers: MedGen C3150169, OMIM 612069.
Inborn genetic diseases. Identifiers: MedGen C0950123, MeSH D030342.

Allele frequency attached by ClinVar (database versions not stated): gnomAD exomes 0.00155; ExAC 0.00176; gnomAD 0.00631 and 0.00675; ESP Exome Variant Server 0.00638; 1000 Genomes Project 0.00639; 1000 Genomes Project 30x 0.00656; TOPMed 0.00686.

Submissions (7):

Labcorp Genetics (formerly Invitae), Labcorp
Classification: Benign for Amyotrophic lateral sclerosis type 10; FRONTOTEMPORAL LOBAR DEGENERATION WITH TDP43 INCLUSIONS, TARDBP-RELATED. Last evaluated: 2026-01-27. Review status: criteria provided, single submitter. Criteria: Invitae Variant Classification Sherloc (09022015). Collection method: clinical testing. Allele origin: germline.

Athena Diagnostics
Classification: Benign. Last evaluated: 2025-05-15. Review status: criteria provided, single submitter. Criteria: Athena Diagnostics Criteria. Collection method: clinical testing. Allele origin: unknown.
Comment: The frequency of this variant in the general population is higher than would generally be expected for pathogenic variants in this gene.

Mayo Clinic Laboratories, Mayo Clinic
Classification: Benign. Last evaluated: 2024-02-21. Review status: criteria provided, single submitter. Criteria: ACMG Guidelines, 2015. Collection method: clinical testing. Allele origin: germline. Observed: 2 variant alleles.
Comment: BS1, BS2, BP4, BP7

Ambry Genetics
Classification: Likely benign for Inborn genetic diseases. Last evaluated: 2022-05-06. Review status: criteria provided, single submitter. Criteria: Ambry Variant Classification Scheme 2023. Collection method: clinical testing. Allele origin: germline.

GeneDx
Classification: Likely benign. Last evaluated: 2020-06-29. Review status: criteria provided, single submitter. Criteria: GeneDx Variant Classification Process June 2021. Collection method: clinical testing. Allele origin: germline. Affected: yes.

Illumina Laboratory Services, Illumina
Classification: Benign for Amyotrophic lateral sclerosis type 10. Last evaluated: 2018-01-12. Review status: criteria provided, single submitter. Criteria: ICSL Variant Classification Criteria 13 December 2019. Collection method: clinical testing. Allele origin: germline.
Comment: This variant was observed in the ICSL laboratory as part of a predisposition screen in an ostensibly healthy population. It had not been previously curated by ICSL or reported in the Human Gene Mutation Database (HGMD: prior to June 1st, 2018), and was therefore a candidate for classification through an automated scoring system. Utilizing variant allele frequency, disease prevalence and penetrance estimates, and inheritance mode, an automated score was calculated to assess if this variant is too frequent to cause the disease. Based on the score and internal cut-off values, a variant classified as benign is not then subjected to further curation. The score for this variant resulted in a classification of benign for this disease.

Breakthrough Genomics
Classification: Likely benign. Review status: criteria provided, single submitter. Criteria: ACMG Guidelines, 2015. Collection method: not provided. Allele origin: germline. Inheritance: Autosomal dominant inheritance. Affected: yes.

Literature cited by the submitters: PubMed 27978769 (cited by Athena Diagnostics).